The following is an entry in ClinVar:

ClinVar aggregate classification (germline): Uncertain significance. Review status: criteria provided, multiple submitters, no conflicts (2 of 4 stars). 2 submissions from 2 submitters: Uncertain significance (2). Last evaluated 2024-10-10.

Conditions:
Hereditary cancer-predisposing syndrome. Also called: Neoplastic Syndromes, Hereditary; Tumor predisposition; Hereditary neoplastic syndrome; Hereditary Cancer Syndrome. Identifiers: Orphanet 140162, MedGen C0027672, MeSH D009386, MONDO:0015356.
Cardiovascular phenotype. Identifiers: MedGen CN230736.

Allele frequency attached by ClinVar (database versions not stated): gnomAD 0.00001; TOPMed 0.00001.
gnomAD v4.1: 1 of 1,613,262 alleles (0.000062%); highest among the groups gnomAD compares: African/African-American, 0.0013%; no homozygotes.

Submissions (2):

Labcorp Genetics (formerly Invitae), Labcorp
Classification: Uncertain significance. Last evaluated: 2024-10-10. Review status: criteria provided, single submitter. Criteria: Invitae Variant Classification Sherloc (09022015). Collection method: clinical testing. Allele origin: germline.
Comment: This sequence change replaces lysine, which is basic and polar, with threonine, which is neutral and polar, at codon 604 of the LZTR1 protein (p.Lys604Thr). This variant is present in population databases (no rsID available, gnomAD 0.007%). This variant has not been reported in the literature in individuals affected with LZTR1-related conditions. Invitae Evidence Modeling of protein sequence and biophysical properties (such as structural, functional, and spatial information, amino acid conservation, physicochemical variation, residue mobility, and thermodynamic stability) indicates that this missense variant is not expected to disrupt LZTR1 protein function with a negative predictive value of 80%. Algorithms developed to predict the effect of sequence changes on RNA splicing suggest that this variant may create or strengthen a splice site. In summary, the available evidence is currently insufficient to determine the role of this variant in disease. Therefore, it has been classified as a Variant of Uncertain Significance.

Ambry Genetics
Classification: Uncertain significance for Cardiovascular phenotype; Hereditary cancer-predisposing syndrome. Last evaluated: 2023-09-28. Review status: criteria provided, single submitter. Criteria: Ambry Variant Classification Scheme 2023. Collection method: clinical testing. Allele origin: germline.
Comment: The p.K604T variant (also known as c.1811A>C), located in coding exon 16 of the LZTR1 gene, results from an A to C substitution at nucleotide position 1811. The lysine at codon 604 is replaced by threonine, an amino acid with similar properties. This amino acid position is conserved. In addition, the in silico prediction for this alteration is inconclusive. Since supporting evidence is limited at this time, the clinical significance of this alteration remains unclear.

NM_006767.4(LZTR1):c.1811A>C (p.Lys604Thr)

Gene: LZTR1 (leucine zipper like post translational regulator 1; plus strand). Cytogenetic location: 22q11.21.
Variant type: single nucleotide variant.
Coding change: c.1811A>C on transcript NM_006767.4 (MANE Select); coding-DNA position 1811, A replaced by C.
Protein change: p.Lys604Thr; replaces lysine 604 with threonine.
Molecular consequence: missense variant.
Genome position (GRCh38, 1-based): chr22:20,994,895, A>C. VCF-style: chr22-20994895-A-C. GRCh37 (hg19) VCF-style: chr22-21349184-A-C.
Other names: short protein forms K604T.
Identifiers: ClinVar variation 3238138 (VCV003238138.3), dbSNP rs1212604192.